The following is an entry in ClinVar:

ClinVar aggregate classification (germline): Uncertain significance (1 of 4 stars; one submission).

Conditions:
Inborn genetic diseases. Identifiers: MedGen C0950123, MeSH D030342.

Allele frequency attached by ClinVar (database versions not stated): gnomAD exomes below 0.00001; TOPMed below 0.00001; ExAC 0.00001; gnomAD 0.00001.

Submission:

Ambry Genetics
Classification: Uncertain significance for Inborn genetic diseases. Last evaluated: 2024-12-08. Review status: criteria provided, single submitter. Criteria: Ambry Variant Classification Scheme 2023. Collection method: clinical testing. Allele origin: germline.
Comment: The p.Y48C variant (also known as c.143A>G), located in coding exon 1 of the G6PC3 gene, results from an A to G substitution at nucleotide position 143. The tyrosine at codon 48 is replaced by cysteine, an amino acid with highly dissimilar properties. This amino acid position is conserved. In addition, the in silico prediction for this alteration is inconclusive. Based on the available evidence, the clinical significance of this variant remains unclear.

NM_138387.4(G6PC3):c.143A>G (p.Tyr48Cys)

Genes: G6PC3 (glucose-6-phosphatase catalytic subunit 3; plus strand), LOC130060959 (ATAC-STARR-seq lymphoblastoid active region 12250; plus strand). Cytogenetic location: 17q21.31.
Variant type: single nucleotide variant.
Coding change: c.143A>G on transcript NM_138387.4 (MANE Select); coding-DNA position 143, A replaced by G.
Protein change: p.Tyr48Cys; replaces tyrosine 48 with cysteine.
Molecular consequence: missense variant. On other transcripts: 5 prime UTR variant (3), intron variant (1).
Genome position (GRCh38, 1-based): chr17:44,071,108, A>G. VCF-style: chr17-44071108-A-G. GRCh37 (hg19) VCF-style: chr17-42148476-A-G.
Other names: c.143A>G, p.Tyr48Cys (NM_001319945.2); c.-262A>G (NM_001384165.1); c.-397A>G (NM_001384166.1); c.-387A>G (NM_001384167.1); c.-312+394A>G (NM_001384168.1); short protein forms Y48C.
Identifiers: ClinVar variation 2333571 (VCV002333571.3), dbSNP rs773663467, ClinGen allele CA8595890.